The following is an entry in ClinVar:

NM_007194.4(CHEK2):c.614del (p.Thr205fs)

Gene: CHEK2 (checkpoint kinase 2; minus strand). Cytogenetic location: 22q12.1.
Variant type: Deletion.
Coding change: c.614del on transcript NM_007194.4 (MANE Select); coding-DNA position 614, one base deleted (C; older notation c.614delC).
Protein change: p.Thr205fs; shifts the reading frame from threonine 205.
Molecular consequence: frameshift variant. On other transcripts: 5 prime UTR variant (2), intron variant (1).
Genome position (GRCh38, 1-based): chr22:28,719,464, G deleted on the plus strand (C on the coding strand, the reverse complement: CHEK2 is on the minus strand). VCF-style (leftmost placement, unchanged base first): chr22-28719463-AG-A. GRCh37 (hg19) VCF-style: chr22-29115451-AG-A.
Other names: c.743del, p.Thr248fs (NM_001005735.3, NM_001438294.1); c.-50del (NM_001257387.3, NM_001437942.1); c.707del, p.Thr236fs (NM_001438293.1, NM_001438295.1); c.614del, p.Thr205fs (NM_145862.3); c.482+5422del (NM_001349956.3); short protein forms T248fs, T205fs, T236fs.
Identifiers: ClinVar variation 4824796 (VCV004824796.1).
Genomic context (GRCh38, chr22:28,719,463, plus strand): 5'-AGTTTTTGACATGATGTATTCATCTCTTAATGCCTTAGGATAAACTGACTGATCATCTAC[AG>A]TCAGATCAAAAAAGACAAAAACTAAGGAAGAAAAGAGTAGAAATGGGTTTCATTAATTTA-3'

ClinVar aggregate classification (germline): Pathogenic (1 of 4 stars; one submission).

Conditions:
Hereditary cancer-predisposing syndrome. Also called: Neoplastic Syndromes, Hereditary; Hereditary neoplastic syndrome; Tumor predisposition; Hereditary Cancer Syndrome. Identifiers: Orphanet 140162, MedGen C0027672, MeSH D009386, MONDO:0015356.

Submission:

Ambry Genetics
Classification: Pathogenic for Hereditary cancer-predisposing syndrome. Last evaluated: 2026-02-11. Review status: criteria provided, single submitter. Criteria: Ambry Variant Classification Scheme 2023. Collection method: clinical testing. Allele origin: germline.
Comment: The c.614delC pathogenic mutation, located in coding exon 4 of the CHEK2 gene, results from a deletion of one nucleotide at nucleotide position 614, causing a translational frameshift with a predicted alternate stop codon (p.T205Mfs*2). This variant is considered to be rare based on population cohorts in the Genome Aggregation Database (gnomAD). This alteration is expected to result in loss of function by premature protein truncation or nonsense-mediated mRNA decay. As such, this alteration is interpreted as a disease-causing mutation.